The following is an entry in ClinVar:

NM_015178.3(RHOBTB2):c.1691C>A (p.Thr564Asn)

Gene: RHOBTB2 (Rho related BTB domain containing 2; plus strand). Cytogenetic location: 8p21.3.
Variant type: single nucleotide variant.
Coding change: c.1691C>A on transcript NM_015178.3 (MANE Select); coding-DNA position 1691, C replaced by A.
Protein change: p.Thr564Asn; replaces threonine 564 with asparagine.
Molecular consequence: missense variant.
Genome position (GRCh38, 1-based): chr8:23,010,608, C>A. VCF-style: chr8-23010608-C-A. GRCh37 (hg19) VCF-style: chr8-22868121-C-A.
Other names: c.1757C>A, p.Thr586Asn (NM_001160036.2); c.1712C>A, p.Thr571Asn (NM_001160037.2); c.1691C>A, p.Thr564Asn (NM_001374791.1); short protein forms T571N, T586N, T564N.
Identifiers: ClinVar variation 3704762 (VCV003704762.2).

ClinVar aggregate classification (germline): Uncertain significance (1 of 4 stars; one submission).

Submission:

Labcorp Genetics (formerly Invitae), Labcorp
Classification: Uncertain significance. Last evaluated: 2024-05-29. Review status: criteria provided, single submitter. Criteria: Invitae Variant Classification Sherloc (09022015). Collection method: clinical testing. Allele origin: germline.
Comment: This sequence change replaces threonine, which is neutral and polar, with asparagine, which is neutral and polar, at codon 586 of the RHOBTB2 protein (p.Thr586Asn). This variant is not present in population databases (gnomAD no frequency). This variant has not been reported in the literature in individuals affected with RHOBTB2-related conditions. Advanced modeling of protein sequence and biophysical properties (such as structural, functional, and spatial information, amino acid conservation, physicochemical variation, residue mobility, and thermodynamic stability) performed at Invitae indicates that this missense variant is not expected to disrupt RHOBTB2 protein function with a negative predictive value of 80%. In summary, the available evidence is currently insufficient to determine the role of this variant in disease. Therefore, it has been classified as a Variant of Uncertain Significance.